The following is an entry in ClinVar:

NM_002691.4(POLD1):c.1187A>C (p.Tyr396Ser)

Gene: POLD1 (DNA polymerase delta 1, catalytic subunit; plus strand). Cytogenetic location: 19q13.33.
Variant type: single nucleotide variant.
Coding change: c.1187A>C on transcript NM_002691.4 (MANE Select); coding-DNA position 1187, A replaced by C.
Protein change: p.Tyr396Ser; replaces tyrosine 396 with serine.
Molecular consequence: missense variant. On other transcripts: non-coding transcript variant (1).
Genome position (GRCh38, 1-based): chr19:50,403,542, A>C. VCF-style: chr19-50403542-A-C. GRCh37 (hg19) VCF-style: chr19-50906799-A-C.
Other names: c.1187A>C, p.Tyr396Ser (NM_001256849.1, NM_001308632.1); short protein forms Y396S.
Identifiers: ClinVar variation 971387 (VCV000971387.10), dbSNP rs2038748553, ClinGen allele CA406978527.
Genomic context (GRCh38, chr19:50,403,542, plus strand): 5'-CCCACCCCCAGGCCTGGTCCACCTTCATCCGTATCATGGACCCCGACGTGATCACCGGTT[A>C]CAACATCCAGAACTTCGACCTTCCGTACCTCATCTCTCGGGCCCAGACCCTCAAGGTGAG-3'
Protein context (NP_002682.2, residues 386-406): RIMDPDVITG[Tyr396Ser]NIQNFDLPYL

ClinVar aggregate classification (germline): Uncertain significance (1 of 4 stars; one submission).

Conditions:
POLD1-related polyposis and colorectal cancer syndrome (CRCS10). Also called: Colorectal cancer 10; COLORECTAL CANCER, SUSCEPTIBILITY TO, ON CHROMOSOME 19q; Colorectal cancer, susceptibility to, 10. Identifiers: Orphanet 220460, MedGen C2675481, MONDO:0012953, OMIM 612591.

Submission:

Labcorp Genetics (formerly Invitae), Labcorp
Classification: Uncertain significance for POLD1-related polyposis and colorectal cancer syndrome. Last evaluated: 2022-04-08. Review status: criteria provided, single submitter. Criteria: Invitae Variant Classification Sherloc (09022015). Collection method: clinical testing. Allele origin: germline.
Comment: This sequence change replaces tyrosine, which is neutral and polar, with serine, which is neutral and polar, at codon 396 of the POLD1 protein (p.Tyr396Ser). This variant is not present in population databases (gnomAD no frequency). This variant has not been reported in the literature in individuals affected with POLD1-related conditions. ClinVar contains an entry for this variant (Variation ID: 971387). Algorithms developed to predict the effect of missense changes on protein structure and function are either unavailable or do not agree on the potential impact of this missense change (SIFT: "Deleterious"; PolyPhen-2: "Probably Damaging"; Align-GVGD: "Class C0"). In summary, the available evidence is currently insufficient to determine the role of this variant in disease. Therefore, it has been classified as a Variant of Uncertain Significance.